The following is an entry in ClinVar:

ClinVar aggregate classification (germline): Uncertain significance (1 of 4 stars; one submission).

Conditions:
Autosomal recessive distal spinal muscular atrophy 2. Also called: NEURONOPATHY, DISTAL HEREDITARY MOTOR, JERASH TYPE; NEUROPATHY, DISTAL HEREDITARY MOTOR, JERASH TYPE; SPINAL MUSCULAR ATROPHY, JERASH TYPE; NEUROPATHY, DISTAL HEREDITARY MOTOR, AUTOSOMAL RECESSIVE 2; Hereditary motor neuropathy, Jerash type; Motor neuropathy, distal, Jerash type. Identifiers: Orphanet 139552, MedGen C1854023, MONDO:0011585, OMIM 605726.
Amyotrophic lateral sclerosis type 16. Also called: AMYOTROPHIC LATERAL SCLEROSIS 16, JUVENILE. Identifiers: Orphanet 300605, MedGen C3280587, MONDO:0013715, OMIM 614373.

Allele frequency attached by ClinVar (database versions not stated): TOPMed 0.00001.

Submission:

Labcorp Genetics (formerly Invitae), Labcorp
Classification: Uncertain significance for Autosomal recessive distal spinal muscular atrophy 2; Amyotrophic lateral sclerosis type 16. Last evaluated: 2021-12-27. Review status: criteria provided, single submitter. Criteria: Invitae Variant Classification Sherloc (09022015). Collection method: clinical testing. Allele origin: germline.
Comment: This sequence change replaces arginine, which is basic and polar, with proline, which is neutral and non-polar, at codon 47 of the SIGMAR1 protein (p.Arg47Pro). This variant is not present in population databases (gnomAD no frequency). This missense change has been observed in individual(s) with hereditary motor neuropathy (Invitae). In at least one individual the data is consistent with being in trans (on the opposite chromosome) from a pathogenic variant. ClinVar contains an entry for this variant (Variation ID: 653722). Algorithms developed to predict the effect of missense changes on protein structure and function are either unavailable or do not agree on the potential impact of this missense change (SIFT: "Deleterious"; PolyPhen-2: "Possibly Damaging"; Align-GVGD: "Class C0"). In summary, the available evidence is currently insufficient to determine the role of this variant in disease. Therefore, it has been classified as a Variant of Uncertain Significance.

NM_005866.4(SIGMAR1):c.140G>C (p.Arg47Pro)

Genes: SIGMAR1 (sigma receptor chaperone 1; minus strand), LOC130001681 (ATAC-STARR-seq lymphoblastoid silent region 19853; plus strand). Cytogenetic location: 9p13.3.
Variant type: single nucleotide variant.
Coding change: c.140G>C on transcript NM_005866.4 (MANE Select); coding-DNA position 140, G replaced by C.
Protein change: p.Arg47Pro; replaces arginine 47 with proline.
Molecular consequence: missense variant. On other transcripts: 5 prime UTR variant (1), non-coding transcript variant (1), intron variant (1).
Genome position (GRCh38, 1-based): chr9:34,637,558, C>G on the plus strand (G>C on the coding strand, the complement: SIGMAR1 is on the minus strand). VCF-style: chr9-34637558-C-G. GRCh37 (hg19) VCF-style: chr9-34637555-C-G.
Other names: c.140G>C, p.Arg47Pro (NM_001282205.2, NM_001282208.2, NM_001282209.2 and 1 more transcripts); c.-114G>C (NM_001282206.2); c.91+49G>C (NM_001282207.2); short protein forms R47P.
Identifiers: ClinVar variation 653722 (VCV000653722.8), dbSNP rs779459049, ClinGen allele CA373275438.